The following is an entry in ClinVar:

ClinVar aggregate classification (germline): Pathogenic (1 of 4 stars; one submission).

Conditions:
Hereditary cancer-predisposing syndrome. Also called: Tumor predisposition; Hereditary neoplastic syndrome; Neoplastic Syndromes, Hereditary; Hereditary Cancer Syndrome. Identifiers: Orphanet 140162, MedGen C0027672, MeSH D009386, MONDO:0015356.

Submission:

Ambry Genetics
Classification: Pathogenic for Hereditary cancer-predisposing syndrome. Last evaluated: 2019-08-15. Review status: criteria provided, single submitter. Criteria: Ambry Variant Classification Scheme 2023. Collection method: clinical testing. Allele origin: germline.
Comment: The p.Q404* pathogenic mutation (also known as c.1210C>T), located in coding exon 8 of the RAD50 gene, results from a C to T substitution at nucleotide position 1210. This changes the amino acid from a glutamine to a stop codon within coding exon 8. This alteration is expected to result in loss of function by premature protein truncation or nonsense-mediated mRNA decay. As such, this alteration is interpreted as a disease-causing mutation.

NM_005732.4(RAD50):c.1210C>T (p.Gln404Ter)

Gene: RAD50 (RAD50 double strand break repair protein; plus strand). Cytogenetic location: 5q31.1.
Variant type: single nucleotide variant.
Coding change: c.1210C>T on transcript NM_005732.4 (MANE Select); coding-DNA position 1210, C replaced by T.
Protein change: p.Gln404Ter; replaces glutamine 404 with a stop codon.
Molecular consequence: nonsense.
Genome position (GRCh38, 1-based): chr5:132,588,845, C>T. VCF-style: chr5-132588845-C-T. GRCh37 (hg19) VCF-style: chr5-131924537-C-T.
Other names: short protein forms Q404*.
Identifiers: ClinVar variation 818598 (VCV000818598.4), dbSNP rs1580992906, ClinGen allele CA360942953.